The following is an entry in ClinVar:

ClinVar aggregate classification (germline): Pathogenic (1 of 4 stars; one submission).

Submission:

Ambry Genetics
Classification: Pathogenic. Last evaluated: 2022-08-26. Review status: criteria provided, single submitter. Criteria: Ambry Variant Classification Scheme 2023. Collection method: clinical testing. Allele origin: germline.
Comment: The c.561_562delGA pathogenic mutation, located in coding exon 6 of the MARS gene, results from a deletion of two nucleotides at nucleotide positions 561 to 562, causing a translational frameshift with a predicted alternate stop codon (p.E187Dfs*25). Although biallelic loss of function alterations in MARS have been associated with interstitial lung and liver disease, haploinsufficiency for MARS has not been clearly established as a mechanism of disease for axonal Charcot-Marie-Tooth disease, type 2U (CMT2U). Based on the supporting evidence, this variant is expected to be causative of interstitial lung and liver disease when present along with a second pathogenic variant on the other allele; however, its clinical significance for CMT2U is unclear.

NM_004990.4(MARS1):c.561_562del (p.Glu187fs)

Gene: MARS1 (methionyl-tRNA synthetase 1; plus strand). Cytogenetic location: 12q13.3.
Variant type: Microsatellite.
Coding change: c.561_562del on transcript NM_004990.4 (MANE Select); coding-DNA positions 561 to 562, 2 bases deleted (GA; older notation c.561_562delGA).
Protein change: p.Glu187fs; shifts the reading frame from glutamic acid 187.
Molecular consequence: frameshift variant.
Genome position (GRCh38, 1-based): chr12:57,490,277-57,490,278, GA deleted; deleting any 2 consecutive bases within chr12:57,490,274-57,490,278 gives the same sequence; the c. name uses the placement nearest the transcript's 3' end. VCF-style (leftmost placement, unchanged base first): chr12-57490273-CAG-C. GRCh37 (hg19) VCF-style: chr12-57884056-CAG-C.
Other names: short protein forms E187fs.
Identifiers: ClinVar variation 1800104 (VCV001800104.2), dbSNP rs1230918876, ClinGen allele CA605705137.